The following is an entry in ClinVar:

ClinVar aggregate classification (germline): Conflicting classifications of pathogenicity. Review status: criteria provided, conflicting classifications (1 of 4 stars). 2 submissions from 2 submitters: Uncertain significance (1); Likely benign (1). Last evaluated 2025-09-12.

Conditions:
Renal cell carcinoma. Identifiers: Orphanet 217071, MedGen C0007134, MeSH D002292, MONDO:0005086, HP:0005584.
Hereditary cancer-predisposing syndrome. Also called: Hereditary neoplastic syndrome; Tumor predisposition; Neoplastic Syndromes, Hereditary; Hereditary Cancer Syndrome. Identifiers: Orphanet 140162, MedGen C0027672, MeSH D009386, MONDO:0015356.

Submissions (2):

Ambry Genetics
Classification: Likely benign for Hereditary cancer-predisposing syndrome. Last evaluated: 2025-09-12. Review status: criteria provided, single submitter. Criteria: Ambry Variant Classification Scheme 2023. Collection method: clinical testing. Allele origin: germline.

Labcorp Genetics (formerly Invitae), Labcorp
Classification: Uncertain significance for Renal cell carcinoma. Last evaluated: 2024-04-30. Review status: criteria provided, single submitter. Criteria: Invitae Variant Classification Sherloc (09022015). Collection method: clinical testing. Allele origin: germline.
Comment: This sequence change replaces methionine, which is neutral and non-polar, with leucine, which is neutral and non-polar, at codon 840 of the MET protein (p.Met840Leu). This variant is not present in population databases (gnomAD no frequency). This variant has not been reported in the literature in individuals affected with MET-related conditions. ClinVar contains an entry for this variant (Variation ID: 1347507). Advanced modeling of protein sequence and biophysical properties (such as structural, functional, and spatial information, amino acid conservation, physicochemical variation, residue mobility, and thermodynamic stability) performed at Invitae indicates that this missense variant is not expected to disrupt MET protein function with a negative predictive value of 80%. In summary, the available evidence is currently insufficient to determine the role of this variant in disease. Therefore, it has been classified as a Variant of Uncertain Significance.

NM_000245.4(MET):c.2464A>T (p.Met822Leu)

Gene: MET (MET proto-oncogene, receptor tyrosine kinase; plus strand). Cytogenetic location: 7q31.2.
Variant type: single nucleotide variant.
Coding change: c.2464A>T on transcript NM_000245.4 (MANE Select); coding-DNA position 2464, A replaced by T.
Protein change: p.Met822Leu; replaces methionine 822 with leucine.
Molecular consequence: missense variant.
Genome position (GRCh38, 1-based): chr7:116,763,149, A>T. VCF-style: chr7-116763149-A-T. GRCh37 (hg19) VCF-style: chr7-116403203-A-T.
Other names: c.2518A>T (NM_001127500.1); c.2518A>T, p.Met840Leu (NM_001127500.3); c.2464A>T, p.Met822Leu (NM_001324401.3); c.1174A>T, p.Met392Leu (NM_001324402.2); short protein forms M392L, M822L, M840L.
Identifiers: ClinVar variation 1347507 (VCV001347507.9), dbSNP rs368787826, ClinGen allele CA368983304.